The following is an entry in ClinVar:

NM_000384.3(APOB):c.2412C>T (p.Arg804=)

Gene: APOB (apolipoprotein B; minus strand). Cytogenetic location: 2p24.1.
Variant type: single nucleotide variant.
Coding change: c.2412C>T on transcript NM_000384.3 (MANE Select); coding-DNA position 2412, C replaced by T.
Protein change: p.Arg804=; no amino-acid change (arginine 804 retained).
Molecular consequence: synonymous variant.
Genome position (GRCh38, 1-based): chr2:21,024,957, G>A on the plus strand (C>T on the coding strand, the complement: APOB is on the minus strand). VCF-style: chr2-21024957-G-A. GRCh37 (hg19) VCF-style: chr2-21247829-G-A.
Identifiers: ClinVar variation 630337 (VCV000630337.14), dbSNP rs755974543, ClinGen allele CA056145.
Genomic context (GRCh38, chr2:21,024,957, plus strand): 5'-GGTCTCATGGGCCCCCAGTGGGGCCTGCTGACTTACCATCTGGGGGATCCCCTGCAGAGT[G>A]CGGGCACCCATCAGAAGCAGCTTTCCCAGGAGCTGGAGGTCATGGAGACTGGCAAAACCA-3'
Protein context (NP_000375.3, residues 794-814): LLGKLLLMGA[Arg804=]TLQGIPQMIG

ClinVar aggregate classification (germline): Likely benign. Review status: criteria provided, multiple submitters, no conflicts (2 of 4 stars). 4 submissions from 4 submitters: Likely benign (4). Last evaluated 2025-07-04.

Conditions:
Hypercholesterolemia, autosomal dominant, type B (FHCL2). Also called: APOB-Related Familial Hypercholesterolemia, Autosomal Dominant; Hyperlipoproteinemia Type IIb; Familial Hypercholesterolemia Type B; APOLIPOPROTEIN B-100, FAMILIAL DEFECTIVE; APOLIPOPROTEIN B-100, FAMILIAL LIGAND-DEFECTIVE; Familial hypercholesterolemia 2. Identifiers: MedGen C1704417, MONDO:0007751, OMIM 144010.
Familial hypobetalipoproteinemia 1. Also called: APOB-Related Familial Hypobetalipoproteinemia; Hypobetalipoproteinemia, normotriglyceridemic; Acanthocytosis with hypobetalipoproteinemia. Identifiers: MedGen C4551990, MONDO:0014252, OMIM 615558.
Familial hypercholesterolemia. Also called: Familial hypercholesterolemias; Familial hypercholesterolaemia. Identifiers: MedGen C0020445, MONDO:0005439.
Cardiovascular phenotype. Identifiers: MedGen CN230736.

Allele frequency attached by ClinVar (database versions not stated): gnomAD 0.00001; gnomAD exomes 0.00001 and 0.00002; TOPMed 0.00001; ExAC 0.00002.
gnomAD v4.1: 23 of 1,614,046 alleles (0.0014%); highest among the groups gnomAD compares: Middle Eastern, 0.049%; no homozygotes.

Submissions (4):

Quest Diagnostics Nichols Institute San Juan Capistrano
Classification: Likely benign. Last evaluated: 2025-07-04. Review status: criteria provided, single submitter. Criteria: Quest Diagnostics criteria. Collection method: clinical testing. Allele origin: unknown.

Labcorp Genetics (formerly Invitae), Labcorp
Classification: Likely benign for Familial hypobetalipoproteinemia 1; Hypercholesterolemia, autosomal dominant, type B. Last evaluated: 2024-11-11. Review status: criteria provided, single submitter. Criteria: Invitae Variant Classification Sherloc (09022015). Collection method: clinical testing. Allele origin: germline.

GENinCode PLC
Classification: Likely benign for Familial hypercholesterolemia. Last evaluated: 2024-03-14. Review status: criteria provided, single submitter. Criteria: ACMG Guidelines, 2015. Collection method: clinical testing. Allele origin: germline.
Comment: This is a synonymous (silent) variant that is not predicted by SpliceAI to impact splicing. In addition, it occurs at a nucleotide that is not conserved. Therefore this variant has been classified as Likely Benign (BP4, BP7).

Ambry Genetics
Classification: Likely benign for Cardiovascular phenotype. Last evaluated: 2021-04-26. Review status: criteria provided, single submitter. Criteria: Ambry Variant Classification Scheme 2023. Collection method: clinical testing. Allele origin: germline.

Literature cited by the submitters: PubMed 39355526 (cited by Quest Diagnostics Nichols Institute San Juan Capistrano).